The following is an entry in ClinVar:

NM_000548.5(TSC2):c.1946+6C>T

Gene: TSC2 (TSC complex subunit 2; plus strand). Cytogenetic location: 16p13.3.
Variant type: single nucleotide variant.
Coding change: c.1946+6C>T on transcript NM_000548.5 (MANE Select); 6 bases into the intron after coding-DNA position 1946, C replaced by T.
Molecular consequence: intron variant.
Genome position (GRCh38, 1-based): chr16:2,071,622, C>T. VCF-style: chr16-2071622-C-T. GRCh37 (hg19) VCF-style: chr16-2121623-C-T.
Other names: c.1946+6C>T (NM_001114382.3, NM_021055.3, NM_001370405.1 and 3 more transcripts); c.1835+6C>T (NM_001318827.2); c.1346+6C>T (NM_001318831.2); c.1799+6C>T (NM_001318829.2); c.1979+6C>T (NM_001318832.2).
Identifiers: ClinVar variation 467909 (VCV000467909.20), dbSNP rs754069880, ClinGen allele CA034957.

ClinVar aggregate classification (germline): Benign/Likely benign. Review status: criteria provided, multiple submitters, no conflicts (2 of 4 stars). 7 submissions from 7 submitters: Benign (3); Likely benign (4). Last evaluated 2026-01-04.

Conditions:
Tuberous sclerosis 2 (TSC2). Identifiers: Orphanet 805, MedGen C1860707, MONDO:0013199, OMIM 613254.
Hereditary cancer-predisposing syndrome. Also called: Hereditary neoplastic syndrome; Neoplastic Syndromes, Hereditary; Hereditary Cancer Syndrome; Tumor predisposition. Identifiers: Orphanet 140162, MedGen C0027672, MeSH D009386, MONDO:0015356.
Tuberous sclerosis syndrome (TSC). Also called: Tuberous Sclerosis Complex; Tuberous sclerosis. Identifiers: Orphanet 805, MedGen C0041341, MONDO:0001734.

Allele frequency attached by ClinVar (database versions not stated): gnomAD 0.00001; gnomAD exomes 0.00002 and 0.00004; TOPMed 0.00002; ExAC 0.00006.
gnomAD v4.1: 26 of 1,613,136 alleles (0.0016%); highest among the groups gnomAD compares: East Asian, 0.022%; no homozygotes.

Submissions (7):

Labcorp Genetics (formerly Invitae), Labcorp
Classification: Benign for Tuberous sclerosis 2. Last evaluated: 2026-01-04. Review status: criteria provided, single submitter. Criteria: Invitae Variant Classification Sherloc (09022015). Collection method: clinical testing. Allele origin: germline.

Myriad Genetics, Inc.
Classification: Benign for Tuberous sclerosis 2. Last evaluated: 2024-09-09. Review status: criteria provided, single submitter. Criteria: Myriad Autosomal Dominant, Autosomal Recessive and X-Linked Classification Criteria (2023). Collection method: clinical testing. Allele origin: unknown.
Comment: This variant is considered benign. This variant is intronic and is not expected to impact mRNA splicing. This variant has been observed at a population frequency that is significantly greater than expected given the associated disease prevalence and penetrance.

Color Diagnostics, LLC DBA Color Health
Classification: Likely benign for Tuberous sclerosis syndrome. Last evaluated: 2024-04-17. Review status: criteria provided, single submitter. Criteria: ACMG Guidelines, 2015. Collection method: clinical testing. Allele origin: germline.

Blueprint Genetics
Classification: Likely benign. Last evaluated: 2023-01-30. Review status: criteria provided, single submitter. Criteria: ACMG Guidelines, 2015. Collection method: clinical testing. Allele origin: germline.

Sema4
Classification: Likely benign for Hereditary cancer-predisposing syndrome. Last evaluated: 2022-03-15. Review status: criteria provided, single submitter. Criteria: Sema4 Curation Guidelines. Collection method: curation. Allele origin: germline.

Genome-Nilou Lab
Classification: Benign for Tuberous sclerosis 2. Last evaluated: 2021-11-07. Review status: criteria provided, single submitter. Criteria: ACMG Guidelines, 2015. Collection method: clinical testing. Allele origin: germline. Affected: no.

GeneDx
Classification: Likely benign. Last evaluated: 2020-10-08. Review status: criteria provided, single submitter. Criteria: GeneDx Variant Classification Process June 2021. Collection method: clinical testing. Allele origin: germline. Affected: yes.